The following is an entry in ClinVar:

NM_002471.4(MYH6):c.4256C>A (p.Thr1419Asn)

Gene: MYH6 (myosin heavy chain 6; minus strand). Cytogenetic location: 14q11.2.
Variant type: single nucleotide variant.
Coding change: c.4256C>A on transcript NM_002471.4 (MANE Select); coding-DNA position 4256, C replaced by A.
Protein change: p.Thr1419Asn; replaces threonine 1419 with asparagine.
Molecular consequence: missense variant.
Genome position (GRCh38, 1-based): chr14:23,388,258, G>T on the plus strand (C>A on the coding strand, the complement: MYH6 is on the minus strand). VCF-style: chr14-23388258-G-T. GRCh37 (hg19) VCF-style: chr14-23857467-G-T.
Other names: short protein forms T1419N.
Identifiers: ClinVar variation 1739123 (VCV001739123.7), dbSNP rs1891101714, ClinGen allele CA388999186.

ClinVar aggregate classification (germline): Uncertain significance. Review status: criteria provided, multiple submitters, no conflicts (2 of 4 stars). 2 submissions from 2 submitters: Uncertain significance (2). Last evaluated 2022-05-22.

Conditions:
Hypertrophic cardiomyopathy 14. Identifiers: MedGen C2750467, MONDO:0013197, OMIM 613251.
Cardiovascular phenotype. Identifiers: MedGen CN230736.

Allele frequency attached by ClinVar (database versions not stated): TOPMed 0.00001.

Submissions (2):

Labcorp Genetics (formerly Invitae), Labcorp
Classification: Uncertain significance for Hypertrophic cardiomyopathy 14. Last evaluated: 2022-05-22. Review status: criteria provided, single submitter. Criteria: Invitae Variant Classification Sherloc (09022015). Collection method: clinical testing. Allele origin: germline.
Comment: This sequence change replaces threonine, which is neutral and polar, with asparagine, which is neutral and polar, at codon 1419 of the MYH6 protein (p.Thr1419Asn). This variant is not present in population databases (gnomAD no frequency). This variant has not been reported in the literature in individuals affected with MYH6-related conditions. Algorithms developed to predict the effect of missense changes on protein structure and function are either unavailable or do not agree on the potential impact of this missense change (SIFT: "Tolerated"; PolyPhen-2: "Possibly Damaging"; Align-GVGD: "Class C0"). In summary, the available evidence is currently insufficient to determine the role of this variant in disease. Therefore, it has been classified as a Variant of Uncertain Significance.

Ambry Genetics
Classification: Uncertain significance for Cardiovascular phenotype. Last evaluated: 2021-12-16. Review status: criteria provided, single submitter. Criteria: Ambry Variant Classification Scheme 2023. Collection method: clinical testing. Allele origin: germline.
Comment: The p.T1419N variant (also known as c.4256C>A), located in coding exon 28 of the MYH6 gene, results from a C to A substitution at nucleotide position 4256. The threonine at codon 1419 is replaced by asparagine, an amino acid with similar properties. This amino acid position is conserved. In addition, the in silico prediction for this alteration is inconclusive. Since supporting evidence is limited at this time, the clinical significance of this alteration remains unclear.